The following is an entry in ClinVar:

NM_001035.3(RYR2):c.273+18G>A

Gene: RYR2 (ryanodine receptor 2; plus strand). Cytogenetic location: 1q43.
Variant type: single nucleotide variant.
Coding change: c.273+18G>A on transcript NM_001035.3 (MANE Select); 18 bases into the intron after coding-DNA position 273, G replaced by A.
Molecular consequence: intron variant.
Genome position (GRCh38, 1-based): chr1:237,331,000, G>A. VCF-style: chr1-237331000-G-A. GRCh37 (hg19) VCF-style: chr1-237494300-G-A.
Other names: c.273+18G>A (LRG_402t1).
Identifiers: ClinVar variation 378482 (VCV000378482.12), dbSNP rs371912039, ClinGen allele CA086144.
Genomic context (GRCh38, chr1:237,331,000, plus strand): 5'-GCTGCAGGAGATGCTGGCTAACACCGTGGAGAAATCAGAAGGGGCAAGTACCCAATTTAT[G>A]TAGACTTGTAGTATTTTAATGAGCTCAGCTACTATAGGAACAATTTCTTTCACAGGTGTC-3'

ClinVar aggregate classification (germline): Benign/Likely benign. Review status: criteria provided, multiple submitters, no conflicts (2 of 4 stars). 4 submissions from 4 submitters: Benign (2); Likely benign (2). Last evaluated 2026-01-20.

Conditions:
Catecholaminergic polymorphic ventricular tachycardia 1. Also called: RYR2-Related Catecholaminergic Polymorphic Ventricular Tachycardia; VENTRICULAR TACHYCARDIA, CATECHOLAMINERGIC POLYMORPHIC, 1, WITH OR WITHOUT ATRIAL DYSFUNCTION AND/OR DILATED CARDIOMYOPATHY; VENTRICULAR TACHYCARDIA, STRESS-INDUCED POLYMORPHIC 1. Identifiers: Orphanet 3286, MedGen C1631597, MONDO:0011484, OMIM 604772.

Allele frequency attached by ClinVar (database versions not stated): gnomAD exomes 0.00002 and 0.00008; ExAC 0.00006; ESP Exome Variant Server 0.00016; TOPMed 0.00032; gnomAD 0.00040 and 0.00041; 1000 Genomes Project 30x 0.00047; 1000 Genomes Project 0.00060.
gnomAD v4.1: 93 of 1,573,360 alleles (0.0059%); highest among the groups gnomAD compares: African/African-American, 0.082%; no homozygotes.

Submissions (4):

Labcorp Genetics (formerly Invitae), Labcorp
Classification: Likely benign for Catecholaminergic polymorphic ventricular tachycardia 1. Last evaluated: 2026-01-20. Review status: criteria provided, single submitter. Criteria: Invitae Variant Classification Sherloc (09022015). Collection method: clinical testing. Allele origin: germline.

Blueprint Genetics
Classification: Likely benign. Last evaluated: 2021-06-16. Review status: criteria provided, single submitter. Criteria: ACMG Guidelines, 2015. Collection method: clinical testing. Allele origin: germline.

Women's Health and Genetics/Laboratory Corporation of America, LabCorp
Classification: Benign. Last evaluated: 2020-08-31. Review status: criteria provided, single submitter. Criteria: LabCorp Variant Classification Summary - May 2015. Collection method: clinical testing. Allele origin: germline.
Comment: Variant summary: RYR2 c.273+18G>A alters a non-conserved nucleotide located close to a canonical splice site and therefore could affect mRNA splicing, leading to a significantly altered protein sequence. 4/4 computational tools predict no significant impact on normal splicing. However, these predictions have yet to be confirmed by functional studies. The variant allele was found at a frequency of 8.2e-05 in 280550 control chromosomes, predominantly at a frequency of 0.0007 within the African or African-American subpopulation in the gnomAD database. The observed variant frequency within African or African-American control individuals in the gnomAD database is approximately 20 fold of the estimated maximal expected allele frequency for a pathogenic variant in RYR2 causing Catecholaminergic Polymorphic Ventricular Tachycardia phenotype (3.4e-05), strongly suggesting that the variant is a benign polymorphism found primarily in populations of African or African-American origin. To our knowledge, no occurrence of c.273+18G>A in individuals affected with Catecholaminergic Polymorphic Ventricular Tachycardia and no experimental evidence demonstrating its impact on protein function have been reported. One ClinVar submitter (evaluation after 2014) cites the variant as benign. Based on the evidence outlined above, the variant was classified as benign.

GeneDx
Classification: Benign. Last evaluated: 2015-04-29. Review status: criteria provided, single submitter. Criteria: GeneDx Variant Classification (06012015). Collection method: clinical testing. Allele origin: germline. Affected: yes.
Comment: This variant is considered likely benign or benign based on one or more of the following criteria: it is a conservative change, it occurs at a poorly conserved position in the protein, it is predicted to be benign by multiple in silico algorithms, and/or has population frequency not consistent with disease.